The following is an entry in ClinVar:

ClinVar aggregate classification (germline): Uncertain significance (1 of 4 stars; one submission).

Allele frequency attached by ClinVar (database versions not stated): TOPMed 0.00002.
gnomAD v4.1: 8 of 1,597,782 alleles (0.0005%); highest among the groups gnomAD compares: Non-Finnish European, 0.00025%; 1 homozygote.

Submission:

Labcorp Genetics (formerly Invitae), Labcorp
Classification: Uncertain significance. Last evaluated: 2023-12-12. Review status: criteria provided, single submitter. Criteria: Invitae Variant Classification Sherloc (09022015). Collection method: clinical testing. Allele origin: germline.
Comment: This sequence change replaces alanine, which is neutral and non-polar, with threonine, which is neutral and polar, at codon 3113 of the LAMA5 protein (p.Ala3113Thr). This variant is not present in population databases (gnomAD no frequency). This variant has not been reported in the literature in individuals affected with LAMA5-related conditions. ClinVar contains an entry for this variant (Variation ID: 1426136). Advanced modeling of protein sequence and biophysical properties (such as structural, functional, and spatial information, amino acid conservation, physicochemical variation, residue mobility, and thermodynamic stability) performed at Invitae indicates that this missense variant is expected to disrupt LAMA5 protein function with a positive predictive value of 80%. In summary, the available evidence is currently insufficient to determine the role of this variant in disease. Therefore, it has been classified as a Variant of Uncertain Significance.

NM_005560.6(LAMA5):c.9337G>A (p.Ala3113Thr)

Gene: LAMA5 (laminin subunit alpha 5; minus strand). Cytogenetic location: 20q13.33.
Variant type: single nucleotide variant.
Coding change: c.9337G>A on transcript NM_005560.6 (MANE Select); coding-DNA position 9337, G replaced by A.
Protein change: p.Ala3113Thr; replaces alanine 3113 with threonine.
Molecular consequence: missense variant.
Genome position (GRCh38, 1-based): chr20:62,312,423, C>T on the plus strand (G>A on the coding strand, the complement: LAMA5 is on the minus strand). VCF-style: chr20-62312423-C-T. GRCh37 (hg19) VCF-style: chr20-60887479-C-T.
Other names: short protein forms A3113T.
Identifiers: ClinVar variation 1426136 (VCV001426136.6), dbSNP rs931771782, ClinGen allele CA317235801.